The following is an entry in ClinVar:

ClinVar aggregate classification (germline): Uncertain significance. Review status: criteria provided, multiple submitters, no conflicts (2 of 4 stars). 2 submissions from 2 submitters: Uncertain significance (2). Last evaluated 2024-04-25.

Conditions:
Fanconi anemia (FA). Also called: Fanconi's anemia. Identifiers: Orphanet 84, MedGen C0015625, MeSH D005199, MONDO:0019391.
Inborn genetic diseases. Identifiers: MedGen C0950123, MeSH D030342.

gnomAD v4.1: 1 of 1,613,966 alleles (0.000062%); no homozygotes.

Submissions (2):

Labcorp Genetics (formerly Invitae), Labcorp
Classification: Uncertain significance for Fanconi anemia. Last evaluated: 2024-04-25. Review status: criteria provided, single submitter. Criteria: Invitae Variant Classification Sherloc (09022015). Collection method: clinical testing. Allele origin: germline.
Comment: This sequence change replaces methionine, which is neutral and non-polar, with threonine, which is neutral and polar, at codon 581 of the FANCD2 protein (p.Met581Thr). This variant is not present in population databases (gnomAD no frequency). This variant has not been reported in the literature in individuals affected with FANCD2-related conditions. ClinVar contains an entry for this variant (Variation ID: 2477928). Advanced modeling of protein sequence and biophysical properties (such as structural, functional, and spatial information, amino acid conservation, physicochemical variation, residue mobility, and thermodynamic stability) performed at Invitae indicates that this missense variant is not expected to disrupt FANCD2 protein function with a negative predictive value of 80%. In summary, the available evidence is currently insufficient to determine the role of this variant in disease. Therefore, it has been classified as a Variant of Uncertain Significance.

Ambry Genetics
Classification: Uncertain significance for Inborn genetic diseases. Last evaluated: 2023-01-23. Review status: criteria provided, single submitter. Criteria: Ambry Variant Classification Scheme 2023. Collection method: clinical testing. Allele origin: germline.

NM_001018115.3(FANCD2):c.1742T>C (p.Met581Thr)

Genes: FANCD2 (FA complementation group D2; plus strand), LOC107303338 (3p25 FANCD2 Alu-mediated recombination region; plus strand). Cytogenetic location: 3p25.3.
Variant type: single nucleotide variant.
Coding change: c.1742T>C on transcript NM_001018115.3 (MANE Select); coding-DNA position 1742, T replaced by C.
Protein change: p.Met581Thr; replaces methionine 581 with threonine.
Molecular consequence: missense variant.
Genome position (GRCh38, 1-based): chr3:10,060,379, T>C. VCF-style: chr3-10060379-T-C. GRCh37 (hg19) VCF-style: chr3-10102063-T-C.
Other names: c.1742T>C, p.Met581Thr (NM_001319984.2, NM_001374254.1, NM_033084.6); c.1631T>C, p.Met544Thr (NM_001374253.1); short protein forms M544T, M581T.
Identifiers: ClinVar variation 2477928 (VCV002477928.3), dbSNP rs2469955590, ClinGen allele CA351727273.